The following is an entry in ClinVar:

NM_001164508.2(NEB):c.7527_7531del (p.Asn2509fs)

Gene: NEB (nebulin; minus strand). Cytogenetic location: 2q23.3.
Variant type: Deletion.
Coding change: c.7527_7531del on transcript NM_001164508.2 (MANE Select); coding-DNA positions 7527 to 7531, 5 bases deleted (CACAA; older notation c.7527_7531delCACAA).
Protein change: p.Asn2509fs; shifts the reading frame from asparagine 2509.
Molecular consequence: frameshift variant.
Genome position (GRCh38, 1-based): chr2:151,646,135-151,646,139, TTGTG deleted on the plus strand (CACAA on the coding strand, the reverse complement: NEB is on the minus strand); deleting any 5 consecutive bases within chr2:151,646,135-151,646,142 gives the same sequence; the c. name uses the placement nearest the transcript's 3' end. VCF-style (leftmost placement, unchanged base first): chr2-151646134-CTTGTG-C. GRCh37 (hg19) VCF-style: chr2-152502648-CTTGTG-C.
Other names: c.7527_7531del (NM_001271208.1); c.7527_7531del, p.Asn2509fs (NM_001164507.2, NM_001271208.2, NM_004543.5); short protein forms N2509fs.
Identifiers: ClinVar variation 1076665 (VCV001076665.8), dbSNP rs2154122471, ClinGen allele CA2499215092.

ClinVar aggregate classification (germline): Pathogenic/Likely pathogenic. Review status: criteria provided, multiple submitters, no conflicts (2 of 4 stars). 2 submissions from 2 submitters: Pathogenic (1); Likely pathogenic (1). Last evaluated 2025-12-13.

Conditions:
Nemaline myopathy 2 (NEM2). Also called: Nemaline myopathy 2, autosomal recessive. Identifiers: MedGen C1850569, MONDO:0009725, OMIM 256030.

Submissions (2):

Natera, Inc.
Classification: Likely pathogenic for Nemaline myopathy type 2. Last evaluated: 2025-12-13. Review status: criteria provided, single submitter. Criteria: Natera Variant Classification Schema (03/2026). Collection method: clinical testing. Allele origin: germline.
Comment: The c.7527_7531del variant in NEB is a frameshift variant predicted to shift the reading frame beginning at codon 2509 and leads to a stop codon 2 codons downstream. This variant is expected to result in nonsense mediated decay, truncation, or a dysfunctional protein product. This variant is rare in the general population with a frequency below the threshold expected for the associated phenotype(s). Given the available evidence, this variant is classified as Likely Pathogenic.

Labcorp Genetics (formerly Invitae), Labcorp
Classification: Pathogenic for Nemaline myopathy 2. Last evaluated: 2020-02-11. Review status: criteria provided, single submitter. Criteria: Invitae Variant Classification Sherloc (09022015). Collection method: clinical testing. Allele origin: germline.
Comment: For these reasons, this variant has been classified as Pathogenic. Loss-of-function variants in NEB are known to be pathogenic (PMID: 25205138). This variant has not been reported in the literature in individuals with NEB-related conditions. This variant is not present in population databases (ExAC no frequency). This sequence change creates a premature translational stop signal (p.Asn2509Lysfs*2) in the NEB gene. It is expected to result in an absent or disrupted protein product.

Literature cited by the submitters: PubMed 25205138 (cited by Labcorp Genetics (formerly Invitae), Labcorp).